The following is an entry in ClinVar:

NM_020800.3(IFT80):c.352G>A (p.Gly118Arg)

Genes: TRIM59-IFT80 (TRIM59-IFT80 readthrough (NMD candidate); minus strand), IFT80 (intraflagellar transport 80; minus strand). Cytogenetic location: 3q25.33.
Variant type: single nucleotide variant.
Coding change: c.352G>A on transcript NM_020800.3 (MANE Select); coding-DNA position 352, G replaced by A.
Protein change: p.Gly118Arg; replaces glycine 118 with arginine.
Molecular consequence: missense variant. On other transcripts: non-coding transcript variant (2), 5 prime UTR variant (2).
Genome position (GRCh38, 1-based): chr3:160,377,448, C>T on the plus strand (G>A on the coding strand, the complement: IFT80 is on the minus strand). VCF-style: chr3-160377448-C-T. GRCh37 (hg19) VCF-style: chr3-160095236-C-T.
Other names: c.-60G>A (NM_001190241.2, NM_001190242.2); short protein forms G118R.
Identifiers: ClinVar variation 1467233 (VCV001467233.6), dbSNP rs1193677073, ClinGen allele CA355194226.
Genomic context (GRCh38, chr3:160,377,448, plus strand): 5'-TTAAAATATTCATTTCAAATGTCATTTTTACAGACAACTTACCTGTAACTAATGCTGTTC[C>T]TTCATAATTCCATCTTCCTGCAAGTACTGCTCCACAGTGAGCTTCTACACTTTTTTCCAC-3'
Protein context (NP_065851.1, residues 108-128): AVLAGRWNYE[Gly118Arg]TALVTVGEDG

ClinVar aggregate classification (germline): Uncertain significance (1 of 4 stars; one submission).

Conditions:
Jeune thoracic dystrophy. Also called: Jeune syndrome; Infantile thoracic dystrophy; Thoracic pelvic phalangeal dystrophy; Jeune's syndrome; Chondroectodermal dysplasia-like syndrome; Short-rib thoracic dysplasia. Identifiers: Orphanet 474, MedGen C0265275, MONDO:0018770.

Allele frequency attached by ClinVar (database versions not stated): gnomAD 0.00001; TOPMed 0.00001.

Submission:

Labcorp Genetics (formerly Invitae), Labcorp
Classification: Uncertain significance for Jeune thoracic dystrophy. Last evaluated: 2024-10-16. Review status: criteria provided, single submitter. Criteria: Invitae Variant Classification Sherloc (09022015). Collection method: clinical testing. Allele origin: germline.
Comment: This sequence change replaces glycine, which is neutral and non-polar, with arginine, which is basic and polar, at codon 118 of the IFT80 protein (p.Gly118Arg). This variant is not present in population databases (gnomAD no frequency). This variant has not been reported in the literature in individuals affected with IFT80-related conditions. ClinVar contains an entry for this variant (Variation ID: 1467233). Invitae Evidence Modeling of protein sequence and biophysical properties (such as structural, functional, and spatial information, amino acid conservation, physicochemical variation, residue mobility, and thermodynamic stability) indicates that this missense variant is expected to disrupt IFT80 protein function with a positive predictive value of 80%. In summary, the available evidence is currently insufficient to determine the role of this variant in disease. Therefore, it has been classified as a Variant of Uncertain Significance.